The following is an entry in ClinVar:

NM_006767.4(LZTR1):c.2326-1G>C

Gene: LZTR1 (leucine zipper like post translational regulator 1; plus strand). Cytogenetic location: 22q11.21.
Variant type: single nucleotide variant.
Coding change: c.2326-1G>C on transcript NM_006767.4 (MANE Select); the canonical splice acceptor site of the intron before coding-DNA position 2326, G replaced by C.
Molecular consequence: splice acceptor variant.
Genome position (GRCh38, 1-based): chr22:20,996,885, G>C. VCF-style: chr22-20996885-G-C. GRCh37 (hg19) VCF-style: chr22-21351174-G-C.
Identifiers: ClinVar variation 5023773 (VCV005023773.1).

ClinVar aggregate classification (germline): Likely pathogenic (1 of 4 stars; one submission).

Conditions:
Cardiovascular phenotype. Identifiers: MedGen CN230736.
Hereditary cancer-predisposing syndrome. Also called: Neoplastic Syndromes, Hereditary; Tumor predisposition; Hereditary neoplastic syndrome; Hereditary Cancer Syndrome. Identifiers: Orphanet 140162, MedGen C0027672, MeSH D009386, MONDO:0015356.

gnomAD v4.1: 1 of 1,612,140 alleles (0.000062%); highest among the groups gnomAD compares: East Asian, 0.0022%; no homozygotes.

Submission:

Ambry Genetics
Classification: Likely pathogenic for Cardiovascular phenotype; Hereditary cancer-predisposing syndrome. Last evaluated: 2026-07-20. Review status: criteria provided, single submitter. Criteria: Ambry Variant Classification Scheme 2023. Collection method: clinical testing. Allele origin: germline.
Comment: The c.2326-1G>C intronic variant results from a G to C substitution one nucleotide upstream from coding exon 20 of the LZTR1 gene. Variants that disrupt the canonical splice site are expected to result in aberrant splicing. In silico splice site analysis predicts that this alteration will weaken the native splice acceptor site. A resulting transcript is predicted to be in-frame and is not expected to trigger nonsense-mediated mRNAdecay; although, direct evidence is unavailable. However, the region predicted to be impacted is critical for protein function (Ambry internal data). This variant is considered to be rare based on population cohorts in the Genome Aggregation Database (gnomAD). This nucleotide position is highly conserved in available vertebrate species. Based on the supporting evidence, this variant is likely pathogenic for an increased risk of LZTR1-related schwannomatosis (SWN) and would be expected to cause autosomal recessive Noonan syndrome when present along with a second pathogenic or likely pathogenic variant on the other allele; however, the association of this variant with autosomal dominant Noonan syndrome is unknown.